The following is an entry in ClinVar:

NM_032608.7(MYO18B):c.3350T>C (p.Val1117Ala)

Gene: MYO18B (myosin XVIIIB; plus strand). Cytogenetic location: 22q12.1.
Variant type: single nucleotide variant.
Coding change: c.3350T>C on transcript NM_032608.7 (MANE Select); coding-DNA position 3350, T replaced by C.
Protein change: p.Val1117Ala; replaces valine 1117 with alanine.
Molecular consequence: missense variant.
Genome position (GRCh38, 1-based): chr22:25,843,876, T>C. VCF-style: chr22-25843876-T-C. GRCh37 (hg19) VCF-style: chr22-26239843-T-C.
Other names: c.3353T>C, p.Val1118Ala (NM_001318245.2); short protein forms V1117A, V1118A.
Identifiers: ClinVar variation 1495501 (VCV001495501.5), dbSNP rs758189660, ClinGen allele CA10160530.

ClinVar aggregate classification (germline): Uncertain significance (1 of 4 stars; one submission).

Allele frequency attached by ClinVar (database versions not stated): ExAC 0.00002; gnomAD exomes 0.00002 and 0.00003; gnomAD 0.00003; TOPMed 0.00004.
gnomAD v4.1: 46 of 1,608,318 alleles (0.0029%); highest among the groups gnomAD compares: Non-Finnish European, 0.0037%; no homozygotes.

Submission:

Labcorp Genetics (formerly Invitae), Labcorp
Classification: Uncertain significance. Last evaluated: 2021-09-17. Review status: criteria provided, single submitter. Criteria: Invitae Variant Classification Sherloc (09022015). Collection method: clinical testing. Allele origin: germline.
Comment: This sequence change replaces valine with alanine at codon 1117 of the MYO18B protein (p.Val1117Ala). The valine residue is weakly conserved and there is a small physicochemical difference between valine and alanine. This variant is present in population databases (rs758189660, ExAC 0.005%). This variant has not been reported in the literature in individuals affected with MYO18B-related conditions. Algorithms developed to predict the effect of missense changes on protein structure and function are either unavailable or do not agree on the potential impact of this missense change (SIFT: "Not Available"; PolyPhen-2: "Benign"; Align-GVGD: "Not Available"). In summary, the available evidence is currently insufficient to determine the role of this variant in disease. Therefore, it has been classified as a Variant of Uncertain Significance.